The following is an entry in ClinVar:

ClinVar aggregate classification (germline): Uncertain significance (1 of 4 stars; one submission).

Allele frequency attached by ClinVar (database versions not stated): TOPMed below 0.00001.
gnomAD v4.1: 3 of 1,614,152 alleles (0.00019%); highest among the groups gnomAD compares: Admixed American, 0.0033%; no homozygotes.

Submission:

Labcorp Genetics (formerly Invitae), Labcorp
Classification: Uncertain significance. Last evaluated: 2022-06-01. Review status: criteria provided, single submitter. Criteria: Invitae Variant Classification Sherloc (09022015). Collection method: clinical testing. Allele origin: germline.
Comment: This sequence change replaces aspartic acid, which is acidic and polar, with glycine, which is neutral and non-polar, at codon 501 of the ABCA4 protein (p.Asp501Gly). This variant is not present in population databases (gnomAD no frequency). This variant has not been reported in the literature in individuals affected with ABCA4-related conditions. ClinVar contains an entry for this variant (Variation ID: 1480789). Algorithms developed to predict the effect of missense changes on protein structure and function are either unavailable or do not agree on the potential impact of this missense change (SIFT: "Tolerated"; PolyPhen-2: "Benign"; Align-GVGD: "Class C35"). In summary, the available evidence is currently insufficient to determine the role of this variant in disease. Therefore, it has been classified as a Variant of Uncertain Significance.

NM_000350.3(ABCA4):c.1502A>G (p.Asp501Gly)

Gene: ABCA4 (ATP binding cassette subfamily A member 4; minus strand). Cytogenetic location: 1p22.1.
Variant type: single nucleotide variant.
Coding change: c.1502A>G on transcript NM_000350.3 (MANE Select); coding-DNA position 1502, A replaced by G.
Protein change: p.Asp501Gly; replaces aspartic acid 501 with glycine.
Molecular consequence: missense variant.
Genome position (GRCh38, 1-based): chr1:94,077,742, T>C on the plus strand (A>G on the coding strand, the complement: ABCA4 is on the minus strand). VCF-style: chr1-94077742-T-C. GRCh37 (hg19) VCF-style: chr1-94543298-T-C.
Other names: c.1502A>G, p.Asp501Gly (NM_001425324.1); short protein forms D501G.
Identifiers: ClinVar variation 1480789 (VCV001480789.3), dbSNP rs768480888, ClinGen allele CA341281896.